The following is an entry in ClinVar:

ClinVar aggregate classification (germline): Uncertain significance (1 of 4 stars; one submission).

Conditions:
Bardet-Biedl syndrome (BBS). Identifiers: Orphanet 110, MedGen C0752166, MONDO:0015229.

Allele frequency attached by ClinVar (database versions not stated): gnomAD exomes below 0.00001; TOPMed below 0.00001.
gnomAD v4.1: 2 of 1,531,996 alleles (0.00013%); highest among the groups gnomAD compares: Non-Finnish European, 0.00009%; no homozygotes.

Submission:

Labcorp Genetics (formerly Invitae), Labcorp
Classification: Uncertain significance for Bardet-Biedl syndrome. Last evaluated: 2022-03-23. Review status: criteria provided, single submitter. Criteria: Invitae Variant Classification Sherloc (09022015). Collection method: clinical testing. Allele origin: germline.
Comment: In summary, the available evidence is currently insufficient to determine the role of this variant in disease. Therefore, it has been classified as a Variant of Uncertain Significance. Algorithms developed to predict the effect of sequence changes on RNA splicing suggest that this variant may create or strengthen a splice site. This variant has not been reported in the literature in individuals affected with BBS7-related conditions. This variant is not present in population databases (gnomAD no frequency). This sequence change falls in intron 9 of the BBS7 gene. It does not directly change the encoded amino acid sequence of the BBS7 protein.

NM_176824.3(BBS7):c.935-18T>G

Gene: BBS7 (Bardet-Biedl syndrome 7; minus strand). Cytogenetic location: 4q27.
Variant type: single nucleotide variant.
Coding change: c.935-18T>G on transcript NM_176824.3 (MANE Select); 18 bases into the intron before coding-DNA position 935, T replaced by G.
Molecular consequence: intron variant.
Genome position (GRCh38, 1-based): chr4:121,847,524, A>C on the plus strand (T>G on the coding strand, the complement: BBS7 is on the minus strand). VCF-style: chr4-121847524-A-C. GRCh37 (hg19) VCF-style: chr4-122768679-A-C.
Other names: c.935-18T>G (NM_018190.4).
Identifiers: ClinVar variation 2420555 (VCV002420555.6), dbSNP rs879768567, ClinGen allele CA104763687.